The following is an entry in ClinVar:

NM_000161.3(GCH1):c.*20C>T

Gene: GCH1 (GTP cyclohydrolase 1; minus strand). Cytogenetic location: 14q22.2.
Variant type: single nucleotide variant.
Coding change: c.*20C>T on transcript NM_000161.3 (MANE Select); 20 bases downstream of the stop codon, C replaced by T.
Molecular consequence: 3 prime UTR variant. On other transcripts: intron variant (3).
Genome position (GRCh38, 1-based): chr14:54,843,997, G>A on the plus strand (C>T on the coding strand, the complement: GCH1 is on the minus strand). VCF-style: chr14-54843997-G-A. GRCh37 (hg19) VCF-style: chr14-55310715-G-A.
Other names: c.627-943C>T (NM_001024071.2); c.627-128C>T (NM_001024070.2); c.*16+4C>T (NM_001024024.2).
Identifiers: ClinVar variation 313388 (VCV000313388.13), dbSNP rs143111433, ClinGen allele CA7193499.

ClinVar aggregate classification (germline): Conflicting classifications of pathogenicity. Review status: criteria provided, conflicting classifications (1 of 4 stars). 5 submissions from 4 submitters: Uncertain significance (2); Likely benign (3). Last evaluated 2025-05-29.

Conditions:
Dystonia 5 (DRD). Also called: DYSTONIA, PROGRESSIVE, WITH DIURNAL VARIATION; DYSTONIA-PARKINSONISM WITH DIURNAL FLUCTUATION; DYT-GCH1; GTP Cyclohydrolase 1-Deficient Dopa-Responsive Dystonia; Dystonia, DOPA-responsive, with or without hyperphenylalaninemia. Identifiers: Orphanet 98808, MedGen C1851920, MONDO:0007495, OMIM 128230.
GTP cyclohydrolase I deficiency. Identifiers: MedGen C0268467, MONDO:0100184.

Allele frequency attached by ClinVar (database versions not stated): 1000 Genomes Project 30x 0.00031; ExAC 0.00035; 1000 Genomes Project 0.00040; gnomAD exomes 0.00043 and 0.00060; gnomAD 0.00046 and 0.00049; TOPMed 0.00048; ESP Exome Variant Server 0.00062.

Submissions (5):

GeneDx
Classification: Uncertain significance. Last evaluated: 2025-05-29. Review status: criteria provided, single submitter. Criteria: GeneDx Variant Classification Process June 2021. Collection method: clinical testing. Allele origin: germline. Affected: yes.
Comment: Identified as heterozygous in two unrelated patients in published literature with dystonia; although other genes were not tested, heterozygous family members were unaffected, and other GCH1 benign or uncertain variants were observed on the same allele (in cis) (PMID: 34890878); In silico analysis suggests this variant may impact gene splicing. In the absence of RNA/functional studies, the actual effect of this sequence change is unknown.; Located in a regulatory region; in the absence of functional studies, the actual effect of this sequence change is unknown; Also known as c.*16+4C>T; This variant is associated with the following publications: (PMID: 34890878)

Blueprint Genetics
Classification: Likely benign. Last evaluated: 2024-07-19. Review status: criteria provided, single submitter. Criteria: ACMG Guidelines, 2015. Collection method: clinical testing. Allele origin: germline.

Athena Diagnostics
Classification: Uncertain significance. Last evaluated: 2018-12-17. Review status: criteria provided, single submitter. Criteria: Athena Diagnostics Criteria. Collection method: clinical testing. Allele origin: germline.

Illumina Laboratory Services, Illumina
Classification: Likely benign for Dystonia 5. Last evaluated: 2017-04-27. Review status: criteria provided, single submitter. Criteria: ICSL Variant Classification Criteria 13 December 2019. Collection method: clinical testing. Allele origin: germline.
Comment: This variant was observed as part of a predisposition screen in an ostensibly healthy population. A literature search was performed for the gene, cDNA change, and amino acid change (where applicable). No publications were found based on this search. Allele frequency data from public databases allowed determination this variant is unlikely to cause disease. Therefore, this variant is classified as likely benign.

Illumina Laboratory Services, Illumina
Classification: Likely benign for GTP cyclohydrolase I deficiency with hyperphenylalaninemia. Last evaluated: 2017-04-27. Review status: criteria provided, single submitter. Criteria: ICSL Variant Classification Criteria 13 December 2019. Collection method: clinical testing. Allele origin: germline.
Comment: the same text as in the submission from Illumina Laboratory Services, Illumina above.

Literature cited by the submitters: PubMed 12707079 (cited by Athena Diagnostics).